The following is an entry in ClinVar:

ClinVar aggregate classification (germline): Uncertain significance. Review status: criteria provided, multiple submitters, no conflicts (2 of 4 stars). 3 submissions from 3 submitters: Uncertain significance (3). Last evaluated 2026-01-07.

Conditions:
Familial cold autoinflammatory syndrome 2 (FCAS2). Identifiers: Orphanet 247868, MedGen C2673198, MONDO:0012724, OMIM 611762.

Allele frequency attached by ClinVar (database versions not stated): gnomAD 0.00005; ESP Exome Variant Server 0.00008.
gnomAD v4.1: 83 of 1,613,968 alleles (0.0051%); highest among the groups gnomAD compares: Non-Finnish European, 0.0068%; no homozygotes.

Submissions (3):

Labcorp Genetics (formerly Invitae), Labcorp
Classification: Uncertain significance for Familial cold autoinflammatory syndrome 2. Last evaluated: 2026-01-07. Review status: criteria provided, single submitter. Criteria: Invitae Variant Classification Sherloc (09022015). Collection method: clinical testing. Allele origin: germline.
Comment: This sequence change replaces serine, which is neutral and polar, with proline, which is neutral and non-polar, at codon 651 of the NLRP12 protein (p.Ser651Pro). This variant is present in population databases (rs370478544, gnomAD 0.007%). This variant has not been reported in the literature in individuals affected with NLRP12-related conditions. ClinVar contains an entry for this variant (Variation ID: 894558). Invitae Evidence Modeling of protein sequence and biophysical properties (such as structural, functional, and spatial information, amino acid conservation, physicochemical variation, residue mobility, and thermodynamic stability) has been performed for this missense variant. However, the output from this modeling did not meet the statistical confidence thresholds required to predict the impact of this variant on NLRP12 protein function. In summary, the available evidence is currently insufficient to determine the role of this variant in disease. Therefore, it has been classified as a Variant of Uncertain Significance.

ARUP Laboratories, Molecular Genetics and Genomics, ARUP Laboratories
Classification: Uncertain significance for Familial cold autoinflammatory syndrome 2. Last evaluated: 2023-09-06. Review status: criteria provided, single submitter. Criteria: ARUP Molecular Germline Variant Investigation Process 2024. Collection method: clinical testing. Allele origin: germline.
Comment: The NLRP12 c.1951T>C; p.Ser651Pro variant (rs370478544), to our knowledge, is not reported in the medical literature but is reported in ClinVar (Variation ID: 894558). This variant is found in the non-Finnish European population with an allele frequency of 0.007% (9/129,084 alleles) in the Genome Aggregation Database. Computational analyses are uncertain whether this variant is neutral or deleterious (REVEL: 0.457). However, given the lack of clinical and functional data, the significance of this variant is uncertain at this time.

Illumina Laboratory Services, Illumina
Classification: Uncertain significance for Familial cold autoinflammatory syndrome 2. Last evaluated: 2018-01-12. Review status: criteria provided, single submitter. Criteria: ICSL Variant Classification Criteria 13 December 2019. Collection method: clinical testing. Allele origin: germline.

NM_144687.4(NLRP12):c.1951T>C (p.Ser651Pro)

Gene: NLRP12 (NLR family pyrin domain containing 12; minus strand). Cytogenetic location: 19q13.42.
Variant type: single nucleotide variant.
Coding change: c.1951T>C on transcript NM_144687.4 (MANE Select); coding-DNA position 1951, T replaced by C.
Protein change: p.Ser651Pro; replaces serine 651 with proline.
Molecular consequence: missense variant.
Genome position (GRCh38, 1-based): chr19:53,809,708, A>G on the plus strand (T>C on the coding strand, the complement: NLRP12 is on the minus strand). VCF-style: chr19-53809708-A-G. GRCh37 (hg19) VCF-style: chr19-54312962-A-G.
Other names: c.1951T>C, p.Ser651Pro (NM_001277126.2, NM_001277129.1); short protein forms S651P.
Identifiers: ClinVar variation 894558 (VCV000894558.10), dbSNP rs370478544, ClinGen allele CA9639310.